The following is an entry in ClinVar:

NM_002076.4(GNS):c.370C>T (p.Gln124Ter)

Gene: GNS (glucosamine (N-acetyl)-6-sulfatase; minus strand). Cytogenetic location: 12q14.3.
Variant type: single nucleotide variant.
Coding change: c.370C>T on transcript NM_002076.4 (MANE Select); coding-DNA position 370, C replaced by T.
Protein change: p.Gln124Ter; replaces glutamine 124 with a stop codon.
Molecular consequence: nonsense.
Genome position (GRCh38, 1-based): chr12:64,747,801, G>A on the plus strand (C>T on the coding strand, the complement: GNS is on the minus strand). VCF-style: chr12-64747801-G-A. GRCh37 (hg19) VCF-style: chr12-65141581-G-A.
Other names: short protein forms Q124*.
Identifiers: ClinVar variation 4814995 (VCV004814995.1).

ClinVar aggregate classification (germline): Likely pathogenic (1 of 4 stars; one submission).

Conditions:
Sanfilippo syndrome. Also called: Mucopolysaccharidosis Type III; Mucopolysaccharidosis type 3; Sanfilippo disease. Identifiers: Orphanet 581, MedGen C0026706, MONDO:0018937.

gnomAD v4.1: 1 of 1,611,012 alleles (0.000062%); highest among the groups gnomAD compares: East Asian, 0.0022%; no homozygotes.

Submission:

Natera, Inc.
Classification: Likely pathogenic for Sanfilippo disease. Last evaluated: 2025-11-13. Review status: criteria provided, single submitter. Criteria: Natera Variant Classification Schema (03/2026). Collection method: clinical testing. Allele origin: germline.
Comment: The c.370C>T variant in GNS is a nonsense variant predicted to introduce a stop codon at amino acid 124. This variant is expected to result in nonsense mediated decay, truncation, or a dysfunctional protein product. This variant is rare in the general population with a frequency below the threshold expected for the associated phenotype(s). Given the available evidence, this variant is classified as Likely Pathogenic.